The following is an entry in ClinVar:

NM_001029883.3(PCARE):c.3328G>A (p.Ala1110Thr)

Gene: PCARE (photoreceptor cilium actin regulator; minus strand). Cytogenetic location: 2p23.2.
Variant type: single nucleotide variant.
Coding change: c.3328G>A on transcript NM_001029883.3 (MANE Select); coding-DNA position 3328, G replaced by A.
Protein change: p.Ala1110Thr; replaces alanine 1110 with threonine.
Molecular consequence: missense variant.
Genome position (GRCh38, 1-based): chr2:29,070,934, C>T on the plus strand (G>A on the coding strand, the complement: PCARE is on the minus strand). VCF-style: chr2-29070934-C-T. GRCh37 (hg19) VCF-style: chr2-29293800-C-T.
Other names: short protein forms A1110T.
Identifiers: ClinVar variation 1515989 (VCV001515989.9), dbSNP rs759887640, ClinGen allele CA1591960.

ClinVar aggregate classification (germline): Uncertain significance. Review status: criteria provided, multiple submitters, no conflicts (2 of 4 stars). 2 submissions from 2 submitters: Uncertain significance (2). Last evaluated 2021-03-29.

Allele frequency attached by ClinVar (database versions not stated): gnomAD exomes below 0.00001; ExAC 0.00001.
gnomAD v4.1: 5 of 1,612,690 alleles (0.00031%); highest among the groups gnomAD compares: East Asian, 0.0022%; no homozygotes.

Submissions (2):

Labcorp Genetics (formerly Invitae), Labcorp
Classification: Uncertain significance. Last evaluated: 2021-03-29. Review status: criteria provided, single submitter. Criteria: Invitae Variant Classification Sherloc (09022015). Collection method: clinical testing. Allele origin: germline.
Comment: In summary, the available evidence is currently insufficient to determine the role of this variant in disease. Therefore, it has been classified as a Variant of Uncertain Significance. Algorithms developed to predict the effect of missense changes on protein structure and function output the following: SIFT: "Tolerated"; PolyPhen-2: "Possibly Damaging"; Align-GVGD: "Class C0". The threonine amino acid residue is found in multiple mammalian species, suggesting that this missense change does not adversely affect protein function. These predictions have not been confirmed by published functional studies and their clinical significance is uncertain. This variant has not been reported in the literature in individuals with PCARE-related conditions. This variant is present in population databases (rs759887640, ExAC 0.01%). This sequence change replaces alanine with threonine at codon 1110 of the PCARE protein (p.Ala1110Thr). The alanine residue is moderately conserved and there is a small physicochemical difference between alanine and threonine.

Blueprint Genetics
Classification: Uncertain significance. Last evaluated: 2020-09-07. Review status: criteria provided, single submitter. Criteria: ACMG Guidelines, 2015. Collection method: clinical testing. Allele origin: germline.